The following is an entry in ClinVar:

NM_000275.3(OCA2):c.2311G>T (p.Ala771Ser)

Gene: OCA2 (OCA2 melanosomal transmembrane protein; minus strand). Cytogenetic location: 15q13.1.
Variant type: single nucleotide variant.
Coding change: c.2311G>T on transcript NM_000275.3 (MANE Select); coding-DNA position 2311, G replaced by T.
Protein change: p.Ala771Ser; replaces alanine 771 with serine.
Molecular consequence: missense variant.
Genome position (GRCh38, 1-based): chr15:27,851,409, C>A on the plus strand (G>T on the coding strand, the complement: OCA2 is on the minus strand). VCF-style: chr15-27851409-C-A. GRCh37 (hg19) VCF-style: chr15-28096555-C-A.
Other names: c.2239G>T, p.Ala747Ser (NM_001300984.2); c.2311G>T (NM_000275.2); short protein forms A747S, A771S.
Identifiers: ClinVar variation 1916957 (VCV001916957.4), dbSNP rs754093708, ClinGen allele CA7438642.

ClinVar aggregate classification (germline): Uncertain significance. Review status: criteria provided, multiple submitters, no conflicts (2 of 4 stars). 3 submissions from 3 submitters: Uncertain significance (3). Last evaluated 2024-11-15.

Allele frequency attached by ClinVar (database versions not stated): ExAC 0.00001.
gnomAD v4.1: 3 of 1,614,044 alleles (0.00019%); highest among the groups gnomAD compares: Non-Finnish European, 0.00025%; no homozygotes.

Submissions (3):

GeneDx
Classification: Uncertain significance. Last evaluated: 2024-11-15. Review status: criteria provided, single submitter. Criteria: GeneDx Variant Classification Process June 2021. Collection method: clinical testing. Allele origin: germline. Affected: yes.
Comment: Not observed at significant frequency in large population cohorts (gnomAD); In silico analysis indicates that this missense variant does not alter protein structure/function; Has not been previously published as pathogenic or benign to our knowledge

Labcorp Genetics (formerly Invitae), Labcorp
Classification: Uncertain significance. Last evaluated: 2022-09-21. Review status: criteria provided, single submitter. Criteria: Invitae Variant Classification Sherloc (09022015). Collection method: clinical testing. Allele origin: germline.
Comment: This sequence change replaces alanine, which is neutral and non-polar, with serine, which is neutral and polar, at codon 771 of the OCA2 protein (p.Ala771Ser). This variant is present in population databases (rs754093708, gnomAD 0.007%). This variant has not been reported in the literature in individuals affected with OCA2-related conditions. Advanced modeling of protein sequence and biophysical properties (such as structural, functional, and spatial information, amino acid conservation, physicochemical variation, residue mobility, and thermodynamic stability) performed at Invitae indicates that this missense variant is not expected to disrupt OCA2 protein function. In summary, the available evidence is currently insufficient to determine the role of this variant in disease. Therefore, it has been classified as a Variant of Uncertain Significance.

Blueprint Genetics
Classification: Uncertain significance. Last evaluated: 2022-09-20. Review status: criteria provided, single submitter. Criteria: ACMG Guidelines, 2015. Collection method: clinical testing. Allele origin: germline.